The following is an entry in ClinVar:

ClinVar aggregate classification (germline): Uncertain significance (1 of 4 stars; one submission).

gnomAD v4.1: 5 of 1,360,698 alleles (0.00037%); highest among the groups gnomAD compares: Admixed American, 0.012%; no homozygotes.

Submission:

Labcorp Genetics (formerly Invitae), Labcorp
Classification: Uncertain significance. Last evaluated: 2024-09-02. Review status: criteria provided, single submitter. Criteria: Invitae Variant Classification Sherloc (09022015). Collection method: clinical testing. Allele origin: germline.
Comment: This sequence change replaces arginine, which is basic and polar, with cysteine, which is neutral and slightly polar, at codon 46 of the CLCN7 protein (p.Arg46Cys). The frequency data for this variant in the population databases is considered unreliable, as metrics indicate poor data quality at this position in the gnomAD database. This variant has not been reported in the literature in individuals affected with CLCN7-related conditions. An algorithm developed to predict the effect of missense changes on protein structure and function (PolyPhen-2) suggests that this variant is likely to be tolerated. In summary, the available evidence is currently insufficient to determine the role of this variant in disease. Therefore, it has been classified as a Variant of Uncertain Significance.

NM_001287.6(CLCN7):c.136C>T (p.Arg46Cys)

Genes: CLCN7 (chloride voltage-gated channel 7; minus strand), LOC130058166 (ATAC-STARR-seq lymphoblastoid silent region 6986; plus strand). Cytogenetic location: 16p13.3.
Variant type: single nucleotide variant.
Coding change: c.136C>T on transcript NM_001287.6 (MANE Select); coding-DNA position 136, C replaced by T.
Protein change: p.Arg46Cys; replaces arginine 46 with cysteine.
Molecular consequence: missense variant.
Genome position (GRCh38, 1-based): chr16:1,474,839, G>A on the plus strand (C>T on the coding strand, the complement: CLCN7 is on the minus strand). VCF-style: chr16-1474839-G-A. GRCh37 (hg19) VCF-style: chr16-1524840-G-A.
Other names: c.136C>T, p.Arg46Cys (NM_001114331.3); short protein forms R46C.
Identifiers: ClinVar variation 3013823 (VCV003013823.3), dbSNP rs762729630, ClinGen allele CA7810939.